The following is an entry in ClinVar:

ClinVar aggregate classification (germline): Uncertain significance. Review status: criteria provided, multiple submitters, no conflicts (2 of 4 stars). 6 submissions from 6 submitters: Uncertain significance (6). Last evaluated 2025-08-11.

Conditions:
Familial cancer of breast. Also called: hereditary breast carcinoma; Hereditary breast cancer; BREAST CANCER, FAMILIAL. Identifiers: Orphanet 227535, MedGen C0346153, MONDO:0016419, OMIM 114480. Disease mechanism: loss of function.
Hereditary cancer-predisposing syndrome. Also called: Hereditary neoplastic syndrome; Hereditary Cancer Syndrome; Tumor predisposition; Neoplastic Syndromes, Hereditary. Identifiers: Orphanet 140162, MedGen C0027672, MeSH D009386, MONDO:0015356.

Submissions (6):

Labcorp Genetics (formerly Invitae), Labcorp
Classification: Uncertain significance for Familial cancer of breast. Last evaluated: 2025-08-11. Review status: criteria provided, single submitter. Criteria: Invitae Variant Classification Sherloc (09022015). Collection method: clinical testing. Allele origin: germline.
Comment: This sequence change replaces isoleucine, which is neutral and non-polar, with phenylalanine, which is neutral and non-polar, at codon 332 of the BARD1 protein (p.Ile332Phe). This variant is not present in population databases (gnomAD no frequency). This variant has not been reported in the literature in individuals affected with BARD1-related conditions. ClinVar contains an entry for this variant (Variation ID: 438901). An algorithm developed to predict the effect of missense changes on protein structure and function (PolyPhen-2) suggests that this variant is likely to be tolerated. In summary, the available evidence is currently insufficient to determine the role of this variant in disease. Therefore, it has been classified as a Variant of Uncertain Significance.

Color Diagnostics, LLC DBA Color Health
Classification: Uncertain significance for Hereditary cancer-predisposing syndrome. Last evaluated: 2024-03-06. Review status: criteria provided, single submitter. Criteria: ACMG Guidelines, 2015. Collection method: clinical testing. Allele origin: germline.
Comment: This missense variant replaces isoleucine with phenylalanine at codon 332 of the BARD1 protein. Computational prediction suggests that this variant may not impact protein structure and function (internally defined REVEL score threshold <= 0.5, PMID: 27666373). To our knowledge, functional studies have not been reported for this variant. This variant has not been reported in individuals affected with hereditary cancer in the literature. This variant has not been identified in the general population by the Genome Aggregation Database (gnomAD). The available evidence is insufficient to determine the role of this variant in disease conclusively. Therefore, this variant is classified as a Variant of Uncertain Significance.

Ambry Genetics
Classification: Uncertain significance for Hereditary cancer-predisposing syndrome. Last evaluated: 2024-02-13. Review status: criteria provided, single submitter. Criteria: Ambry Variant Classification Scheme 2023. Collection method: clinical testing. Allele origin: germline.
Comment: The p.I332F variant (also known as c.994A>T), located in coding exon 4 of the BARD1 gene, results from an A to T substitution at nucleotide position 994. The isoleucine at codon 332 is replaced by phenylalanine, an amino acid with highly similar properties. This amino acid position is poorly conserved in available vertebrate species. In addition, this alteration is predicted to be tolerated by in silico analysis. Since supporting evidence is limited at this time, the clinical significance of this alteration remains unclear.

GeneDx
Classification: Uncertain significance. Last evaluated: 2023-07-27. Review status: criteria provided, single submitter. Criteria: GeneDx Variant Classification Process June 2021. Collection method: clinical testing. Allele origin: germline. Affected: yes.
Comment: Not observed at significant frequency in large population cohorts (gnomAD); In silico analysis supports that this missense variant does not alter protein structure/function; Has not been previously published as pathogenic or benign to our knowledge; This variant is associated with the following publications: (PMID: 15632137)

Mendelics
Classification: Uncertain significance for Familial cancer of breast. Last evaluated: 2019-05-28. Review status: criteria provided, single submitter. Criteria: Mendelics Assertion Criteria 2017. Collection method: clinical testing. Allele origin: unknown.

Quest Diagnostics Nichols Institute San Juan Capistrano
Classification: Uncertain significance. Last evaluated: 2016-11-04. Review status: criteria provided, single submitter. Criteria: Quest Diagnostics criteria. Collection method: clinical testing. Allele origin: germline.

NM_000465.4(BARD1):c.994A>T (p.Ile332Phe)

Gene: BARD1 (BRCA1 associated RING domain 1; minus strand). Cytogenetic location: 2q35.
Variant type: single nucleotide variant.
Coding change: c.994A>T on transcript NM_000465.4 (MANE Select); coding-DNA position 994, A replaced by T.
Protein change: p.Ile332Phe; replaces isoleucine 332 with phenylalanine.
Molecular consequence: missense variant. On other transcripts: non-coding transcript variant (2), intron variant (3).
Genome position (GRCh38, 1-based): chr2:214,780,880, T>A on the plus strand (A>T on the coding strand, the complement: BARD1 is on the minus strand). VCF-style: chr2-214780880-T-A. GRCh37 (hg19) VCF-style: chr2-215645604-T-A.
Other names: c.937A>T, p.Ile313Phe (NM_001282543.2); c.159-28325A>T (NM_001282548.2); c.215+16181A>T (NM_001282545.2); c.364+11417A>T (NM_001282549.2); short protein forms I332F, I313F.
Identifiers: ClinVar variation 438901 (VCV000438901.20), dbSNP rs543606863, ClinGen allele CA350454467.